The following is an entry in ClinVar:

NM_138694.4(PKHD1):c.1449C>T (p.Val483=)

Gene: PKHD1 (PKHD1 ciliary IPT domain containing fibrocystin/polyductin; minus strand). Cytogenetic location: 6p12.2.
Variant type: single nucleotide variant.
Coding change: c.1449C>T on transcript NM_138694.4 (MANE Select); coding-DNA position 1449, C replaced by T.
Protein change: p.Val483=; no amino-acid change (valine 483 retained).
Molecular consequence: synonymous variant.
Genome position (GRCh38, 1-based): chr6:52,058,386, G>A on the plus strand (C>T on the coding strand, the complement: PKHD1 is on the minus strand). VCF-style: chr6-52058386-G-A. GRCh37 (hg19) VCF-style: chr6-51923184-G-A.
Other names: c.1449C>T (NM_138694.3); c.1449C>T, p.Val483= (NM_170724.3).
Identifiers: ClinVar variation 1116413 (VCV001116413.10), dbSNP rs1371241995, ClinGen allele CA450615549.

ClinVar aggregate classification (germline): Likely benign. Review status: criteria provided, single submitter (1 of 4 stars). 2 submissions from 2 submitters: Likely benign (1). 1 of the submissions does not count toward it. Last evaluated 2025-06-09.

Conditions:
PKHD1-related disorder. Also called: PKHD1-related condition.
Autosomal recessive polycystic kidney disease (ARPKD). Also called: AR polycystic kidney disease. Identifiers: Orphanet 731, Orphanet 8378, MedGen C0085548, MeSH D017044, MONDO:0009889.

Allele frequency attached by ClinVar (database versions not stated): gnomAD exomes 0.00002; TOPMed 0.00003.
gnomAD v4.1: 37 of 1,613,998 alleles (0.0023%); highest among the groups gnomAD compares: Non-Finnish European, 0.003%; no homozygotes.

Submissions (2):

Labcorp Genetics (formerly Invitae), Labcorp
Classification: Likely benign for Autosomal recessive polycystic kidney disease. Last evaluated: 2025-06-09. Review status: criteria provided, single submitter. Criteria: Invitae Variant Classification Sherloc (09022015). Collection method: clinical testing. Allele origin: germline.

PreventionGenetics, part of Exact Sciences
Classification: Likely benign for PKHD1-related condition. Last evaluated: 2024-08-14. Review status: no assertion criteria provided. Collection method: clinical testing. Allele origin: germline. Not counted in ClinVar's aggregate classification.
Comment: This variant is classified as likely benign based on ACMG/AMP sequence variant interpretation guidelines (Richards et al. 2015 PMID: 25741868, with internal and published modifications).